The following is an entry in ClinVar:

NM_018368.4(LMBRD1):c.-88C>G

Gene: LMBRD1 (LMBR1 domain containing 1; minus strand). Cytogenetic location: 6q13.
Variant type: single nucleotide variant.
Coding change: c.-88C>G on transcript NM_018368.4 (MANE Select); 88 bases upstream of the start codon, C replaced by G.
Molecular consequence: 5 prime UTR variant.
Genome position (GRCh38, 1-based): chr6:69,796,969, G>C on the plus strand (C>G on the coding strand, the complement: LMBRD1 is on the minus strand). VCF-style: chr6-69796969-G-C. GRCh37 (hg19) VCF-style: chr6-70506861-G-C.
Identifiers: ClinVar variation 357784 (VCV000357784.5), dbSNP rs557851763, ClinGen allele CA10624546.

ClinVar aggregate classification (germline): Likely benign (1 of 4 stars; one submission).

Conditions:
Methylmalonic aciduria and homocystinuria type cblF. Also called: COBALAMIN F DISEASE; COBALAMIN, DEFECT IN LYSOSOMAL RELEASE OF; METHYLMALONIC ACIDEMIA AND HOMOCYSTINURIA, cblF TYPE; METHYLMALONIC ACIDURIA DUE TO VITAMIN B12-RELEASE DEFECT; VITAMIN B12 LYSOSOMAL RELEASE DEFECT; VITAMIN B12 STORAGE DISEASE. Identifiers: Orphanet 79284, MedGen C1848578, MONDO:0010183, OMIM 277380.

Allele frequency attached by ClinVar (database versions not stated): gnomAD below 0.00001 and 0.00007; gnomAD exomes 0.00019; 1000 Genomes Project 0.00060; 1000 Genomes Project 30x 0.00062.
gnomAD v4.1: 199 of 1,157,446 alleles (0.017%); highest among the groups gnomAD compares: South Asian, 0.25%; 2 homozygotes.

Submission:

Illumina Laboratory Services, Illumina
Classification: Likely benign for Methylmalonic aciduria and homocystinuria type cblF. Last evaluated: 2018-01-13. Review status: criteria provided, single submitter. Criteria: ICSL Variant Classification Criteria 13 December 2019. Collection method: clinical testing. Allele origin: germline.
Comment: This variant was observed in the ICSL laboratory as part of a predisposition screen in an ostensibly healthy population. It had not been previously curated by ICSL or reported in the Human Gene Mutation Database (HGMD: prior to June 1st, 2018), and was therefore a candidate for classification through an automated scoring system. Utilizing variant allele frequency, disease prevalence and penetrance estimates, and inheritance mode, an automated score was calculated to assess if this variant is too frequent to cause the disease. Based on the score and internal cut-off values, a variant classified as likely benign is not then subjected to further curation. The score for this variant resulted in a classification of likely benign for this disease.